The following is an entry in ClinVar:

ClinVar aggregate classification (germline): Uncertain significance. Review status: criteria provided, multiple submitters, no conflicts (2 of 4 stars). 2 submissions from 2 submitters: Uncertain significance (2). Last evaluated 2025-12-02.

Conditions:
Inborn genetic diseases. Identifiers: MedGen C0950123, MeSH D030342.

Allele frequency attached by ClinVar (database versions not stated): ExAC 0.00004; gnomAD 0.00005; TOPMed 0.00005; gnomAD exomes 0.00006 and 0.00010.
gnomAD v4.1: 155 of 1,614,002 alleles (0.0096%); highest among the groups gnomAD compares: Non-Finnish European, 0.012%; no homozygotes.

Submissions (2):

Ambry Genetics
Classification: Uncertain significance for Inborn genetic diseases. Last evaluated: 2025-12-02. Review status: criteria provided, single submitter. Criteria: Ambry Variant Classification Scheme 2023. Collection method: clinical testing. Allele origin: germline.

Labcorp Genetics (formerly Invitae), Labcorp
Classification: Uncertain significance. Last evaluated: 2024-10-25. Review status: criteria provided, single submitter. Criteria: Invitae Variant Classification Sherloc (09022015). Collection method: clinical testing. Allele origin: germline.
Comment: This sequence change replaces asparagine, which is neutral and polar, with serine, which is neutral and polar, at codon 369 of the CSGALNACT1 protein (p.Asn369Ser). This variant is present in population databases (rs745646945, gnomAD 0.01%). This variant has not been reported in the literature in individuals affected with CSGALNACT1-related conditions. ClinVar contains an entry for this variant (Variation ID: 1353964). Invitae Evidence Modeling of protein sequence and biophysical properties (such as structural, functional, and spatial information, amino acid conservation, physicochemical variation, residue mobility, and thermodynamic stability) indicates that this missense variant is not expected to disrupt CSGALNACT1 protein function with a negative predictive value of 80%. In summary, the available evidence is currently insufficient to determine the role of this variant in disease. Therefore, it has been classified as a Variant of Uncertain Significance.

NM_001354483.2(CSGALNACT1):c.1106A>G (p.Asn369Ser)

Gene: CSGALNACT1 (chondroitin sulfate N-acetylgalactosaminyltransferase 1; minus strand). Cytogenetic location: 8p21.3.
Variant type: single nucleotide variant.
Coding change: c.1106A>G on transcript NM_001354483.2 (MANE Select); coding-DNA position 1106, A replaced by G.
Protein change: p.Asn369Ser; replaces asparagine 369 with serine.
Molecular consequence: missense variant. On other transcripts: non-coding transcript variant (7).
Genome position (GRCh38, 1-based): chr8:19,420,366, T>C on the plus strand (A>G on the coding strand, the complement: CSGALNACT1 is on the minus strand). VCF-style: chr8-19420366-T-C. GRCh37 (hg19) VCF-style: chr8-19277877-T-C.
Other names: c.1106A>G, p.Asn369Ser (NM_001130518.2, NM_001354475.2, NM_001354476.2 and 18 more transcripts); c.1106A>G (NM_001130518.1); short protein forms N369S.
Identifiers: ClinVar variation 1353964 (VCV001353964.6), dbSNP rs745646945, ClinGen allele CA4653916.